The following is an entry in ClinVar:

NM_001267550.2(TTN):c.63823del (p.Val21275fs)

Genes: TTN (titin; minus strand), TTN-AS1 (TTN antisense RNA 1; plus strand). Cytogenetic location: 2q31.2.
Variant type: Deletion.
Coding change: c.63823del on transcript NM_001267550.2 (MANE Select); coding-DNA position 63823, one base deleted (G; older notation c.63823delG).
Protein change: p.Val21275fs; shifts the reading frame from valine 21275.
Molecular consequence: frameshift variant.
Genome position (GRCh38, 1-based): chr2:178,587,388, C deleted on the plus strand (G on the coding strand, the reverse complement: TTN is on the minus strand). VCF-style (leftmost placement, unchanged base first): chr2-178587387-AC-A. GRCh37 (hg19) VCF-style: chr2-179452114-AC-A.
Other names: c.58900del, p.Val19634fs (NM_001256850.1); c.36628del, p.Val12210fs (NM_003319.4); c.56119del, p.Val18707fs (NM_133378.4); c.37003del, p.Val12335fs (NM_133432.3); c.37204del, p.Val12402fs (NM_133437.4); short protein forms V12210fs, V19634fs, V21275fs, V18707fs, V12335fs, V12402fs.
Identifiers: ClinVar variation 4784828 (VCV004784828.1).

ClinVar aggregate classification (germline): Likely pathogenic (1 of 4 stars; one submission).

Conditions:
Autosomal recessive limb-girdle muscular dystrophy type 2J (LGMDR10). Also called: Limb-girdle muscular dystrophy, type 2J; MUSCULAR DYSTROPHY, LIMB-GIRDLE, AUTOSOMAL RECESSIVE 10. Identifiers: Orphanet 140922, MedGen C1837342, MONDO:0012127, OMIM 608807.
Dilated cardiomyopathy 1G (CMD1G). Identifiers: Orphanet 154, MedGen C1858763, MONDO:0011400, OMIM 604145.

Submission:

Labcorp Genetics (formerly Invitae), Labcorp
Classification: Likely pathogenic for Dilated cardiomyopathy 1G; Autosomal recessive limb-girdle muscular dystrophy type 2J. Last evaluated: 2025-05-02. Review status: criteria provided, single submitter. Criteria: Invitae Variant Classification Sherloc (09022015). Collection method: clinical testing. Allele origin: germline.
Comment: This sequence change creates a premature translational stop signal (p.Val21275Phefs*24) in the TTN gene. While this is not anticipated to result in nonsense mediated decay, it is expected to create a truncated TTN protein. This variant is not present in population databases (gnomAD no frequency). This variant has not been reported in the literature in individuals affected with TTN-related conditions. Algorithms developed to predict the effect of sequence changes on RNA splicing suggest that this variant may disrupt the consensus splice site. This variant is located in the A band of TTN (PMID: 25589632). Truncating variants in this region are significantly overrepresented in patients affected with dilated cardiomyopathy (PMID: 25589632). Truncating variants in this region have also been reported in individuals affected with autosomal recessive centronuclear myopathy (PMID: 23975875). In summary, the currently available evidence indicates that the variant is pathogenic, but additional data are needed to prove that conclusively. Therefore, this variant has been classified as Likely Pathogenic.

Literature cited by the submitters: PubMed 25589632; PubMed 23975875.